The following is an entry in ClinVar:

NM_005612.5(REST):c.2778G>A (p.Leu926=)

Gene: REST (RE1 silencing transcription factor; plus strand). Cytogenetic location: 4q12.
Variant type: single nucleotide variant.
Coding change: c.2778G>A on transcript NM_005612.5 (MANE Select); coding-DNA position 2778, G replaced by A.
Protein change: p.Leu926=; no amino-acid change (leucine 926 retained).
Molecular consequence: synonymous variant.
Genome position (GRCh38, 1-based): chr4:56,931,636, G>A. VCF-style: chr4-56931636-G-A. GRCh37 (hg19) VCF-style: chr4-57797802-G-A.
Other names: c.2778G>A, p.Leu926= (NM_001193508.2, NM_001363453.3).
Identifiers: ClinVar variation 1126680 (VCV001126680.18), dbSNP rs112212899, ClinGen allele CA2932552.

ClinVar aggregate classification (germline): Likely benign. Review status: criteria provided, multiple submitters, no conflicts (2 of 4 stars). 3 submissions from 3 submitters: Likely benign (2). 1 of the submissions does not count toward it. Last evaluated 2025-07-31.

Conditions:
REST-related disorder. Also called: REST-related condition.

Allele frequency attached by ClinVar (database versions not stated): ExAC 0.00002; gnomAD exomes 0.00002 and 0.00003; gnomAD 0.00006 and 0.00009; ESP Exome Variant Server 0.00008; TOPMed 0.00010; 1000 Genomes Project 30x 0.00016; 1000 Genomes Project 0.00020.
gnomAD v4.1: 84 of 1,614,220 alleles (0.0052%); highest among the groups gnomAD compares: African/African-American, 0.065%; 2 homozygotes.

Submissions (3):

Labcorp Genetics (formerly Invitae), Labcorp
Classification: Likely benign. Last evaluated: 2025-07-31. Review status: criteria provided, single submitter. Criteria: Invitae Variant Classification Sherloc (09022015). Collection method: clinical testing. Allele origin: germline.

CeGaT Center for Human Genetics Tuebingen
Classification: Likely benign. Last evaluated: 2025-04-01. Review status: criteria provided, single submitter. Criteria: CeGaT Center For Human Genetics Tuebingen Variant Classification Criteria Version 2. Collection method: clinical testing. Allele origin: germline. Affected: yes. Observed: 1 variant allele.
Comment: REST: BP4, BP7

PreventionGenetics, part of Exact Sciences
Classification: Likely benign for REST-related condition. Last evaluated: 2022-03-05. Review status: no assertion criteria provided. Collection method: clinical testing. Allele origin: germline. Not counted in ClinVar's aggregate classification.
Comment: This variant is classified as likely benign based on ACMG/AMP sequence variant interpretation guidelines (Richards et al. 2015 PMID: 25741868, with internal and published modifications).